The following is an entry in ClinVar:

NM_001376.5(DYNC1H1):c.9496G>A (p.Gly3166Ser)

Gene: DYNC1H1 (dynein cytoplasmic 1 heavy chain 1; plus strand). Cytogenetic location: 14q32.31.
Variant type: single nucleotide variant.
Coding change: c.9496G>A on transcript NM_001376.5 (MANE Select); coding-DNA position 9496, G replaced by A.
Protein change: p.Gly3166Ser; replaces glycine 3166 with serine.
Molecular consequence: missense variant.
Genome position (GRCh38, 1-based): chr14:102,029,566, G>A. VCF-style: chr14-102029566-G-A. GRCh37 (hg19) VCF-style: chr14-102495903-G-A.
Other names: short protein forms G3166S.
Identifiers: ClinVar variation 1378512 (VCV001378512.10), dbSNP rs1393341368, ClinGen allele CA391015271.

ClinVar aggregate classification (germline): Conflicting classifications of pathogenicity. Review status: criteria provided, conflicting classifications (1 of 4 stars). 2 submissions from 2 submitters: Uncertain significance (1); Likely benign (1). Last evaluated 2024-12-12.

Conditions:
Charcot-Marie-Tooth disease axonal type 2O. Also called: CHARCOT-MARIE-TOOTH NEUROPATHY, AXONAL, TYPE 2O; CHARCOT-MARIE-TOOTH DISEASE, AXONAL, AUTOSOMAL DOMINANT, TYPE 2O; Charcot-Marie-Tooth Neuropathy Type 2O; Charcot-Marie-Tooth disease, axonal, type 20. Identifiers: Orphanet 284232, MedGen C3280220, MONDO:0013644, OMIM 614228.
Inborn genetic diseases. Identifiers: MedGen C0950123, MeSH D030342.

Allele frequency attached by ClinVar (database versions not stated): gnomAD exomes below 0.00001 and 0.00001; TOPMed below 0.00001.
gnomAD v4.1: 13 of 1,614,192 alleles (0.00081%); highest among the groups gnomAD compares: South Asian, 0.0011%; no homozygotes.

Submissions (2):

Labcorp Genetics (formerly Invitae), Labcorp
Classification: Likely benign for Charcot-Marie-Tooth disease axonal type 2O. Last evaluated: 2024-12-12. Review status: criteria provided, single submitter. Criteria: Invitae Variant Classification Sherloc (09022015). Collection method: clinical testing. Allele origin: germline.

Ambry Genetics
Classification: Uncertain significance for Inborn genetic diseases. Last evaluated: 2021-08-09. Review status: criteria provided, single submitter. Criteria: Ambry Variant Classification Scheme 2023. Collection method: clinical testing. Allele origin: germline.
Comment: The p.G3166S variant (also known as c.9496G>A), located in coding exon 49 of the DYNC1H1 gene, results from a G to A substitution at nucleotide position 9496. The glycine at codon 3166 is replaced by serine, an amino acid with similar properties. This amino acid position is conserved. In addition, the in silico prediction for this alteration is inconclusive. Since supporting evidence is limited at this time, the clinical significance of this alteration remains unclear.